The following is an entry in ClinVar:

ClinVar aggregate classification (germline): Uncertain significance (1 of 4 stars; one submission).

Conditions:
Epidermolysis bullosa simplex with nail dystrophy (EBS5D). Identifiers: MedGen C4225309, MONDO:0014661, OMIM 616487.
Epidermolysis bullosa simplex 5C, with pyloric atresia (EBS5C). Also called: PLEC-Related Epidermolysis Bullosa with Pyloric Atresia; Epidermolysis bullosa simplex with pyloric atresia; PLEC1-Related Epidermolysis Bullosa with Pyloric Atresia. Identifiers: Orphanet 158684, MedGen C2677349, MONDO:0012807, OMIM 612138.
Autosomal recessive limb-girdle muscular dystrophy type 2Q (LGMDR17). Also called: MUSCULAR DYSTROPHY, LIMB-GIRDLE, AUTOSOMAL RECESSIVE 17. Identifiers: Orphanet 254361, MedGen C3150989, MONDO:0013390, OMIM 613723.
Epidermolysis bullosa simplex, Ogna type (EBS5A). Also called: Pidermolysis bullosa simplex 5A, Ogna type; EPIDERMOLYSIS BULLOSA SIMPLEX 5A, OGNA TYPE. Identifiers: Orphanet 79401, MedGen C0432317, MONDO:0007555, OMIM 131950.
Epidermolysis bullosa simplex 5B, with muscular dystrophy (EBS5B). Also called: EPIDERMOLYSIS BULLOSA SIMPLEX AND LIMB-GIRDLE MUSCULAR DYSTROPHY; Epidermolysis bullosa simplex with muscular dystrophy. Identifiers: Orphanet 257, MedGen C2931072, MONDO:0009181, OMIM 226670.

Submission:

Labcorp Genetics (formerly Invitae), Labcorp
Classification: Uncertain significance for Autosomal recessive limb-girdle muscular dystrophy type 2Q; Epidermolysis bullosa simplex, Ogna type; Epidermolysis bullosa simplex with nail dystrophy; Epidermolysis bullosa simplex 5C, with pyloric atresia; Epidermolysis bullosa simplex 5B, with muscular dystrophy. Last evaluated: 2023-06-20. Review status: criteria provided, single submitter. Criteria: Invitae Variant Classification Sherloc (09022015). Collection method: clinical testing. Allele origin: germline.
Comment: This variant, c.6351_6359del, results in the deletion of 3 amino acid(s) of the PLEC protein (p.Glu2121_Ala2123del), but otherwise preserves the integrity of the reading frame. This variant is not present in population databases (gnomAD no frequency). This variant has not been reported in the literature in individuals affected with PLEC-related conditions. Experimental studies and prediction algorithms are not available or were not evaluated, and the functional significance of this variant is currently unknown. In summary, the available evidence is currently insufficient to determine the role of this variant in disease. Therefore, it has been classified as a Variant of Uncertain Significance.

NM_201384.3(PLEC):c.6270_6278del (p.2091EEA[1])

Gene: PLEC (plectin; minus strand). Cytogenetic location: 8q24.3.
Variant type: Deletion.
Coding change: c.6270_6278del on transcript NM_201384.3 (MANE Select); coding-DNA positions 6270 to 6278, 9 bases deleted (TGAGGAGGC; older notation c.6270_6278delTGAGGAGGC).
Protein change: p.2091EEA[1].
Molecular consequence: inframe deletion. On other transcripts: intron variant (1).
Genome position (GRCh38, 1-based): chr8:143,923,651-143,923,659, GCCTCCTCA deleted on the plus strand (TGAGGAGGC on the coding strand, the reverse complement: PLEC is on the minus strand); deleting any 9 consecutive bases within chr8:143,923,651-143,923,662 gives the same sequence; the c. name uses the placement nearest the transcript's 3' end. VCF-style (leftmost placement, unchanged base first): chr8-143923650-CGCCTCCTCA-C. GRCh37 (hg19) VCF-style: chr8-144997818-CGCCTCCTCA-C.
Other names: c.6351_6359del, p.2118EEA[1] (NM_000445.5); c.6228_6236del, p.2077EEA[1] (NM_201378.4); c.6204_6212del, p.2069EEA[1] (NM_201379.3); c.6681_6689del, p.2228EEA[1] (NM_201380.4); c.6174_6182del, p.2059EEA[1] (NM_201381.3); c.6270_6278del, p.2091EEA[1] (NM_201382.4); c.6282_6290del, p.2095EEA[1] (NM_201383.3); c.4126-1264_4126-1256del (NM_001410941.1).
Identifiers: ClinVar variation 2933151 (VCV002933151.3), dbSNP rs2537772192, ClinGen allele CA2689011628.